The following is an entry in ClinVar:

ClinVar aggregate classification (germline): Uncertain significance (1 of 4 stars; one submission).

Conditions:
Early-infantile DEE. Also called: Early infantile epileptic encephalopathy; Early infantile epileptic encephalopathy with suppression bursts; Ohtahara syndrome. Identifiers: Orphanet 1934, MedGen C0393706, MONDO:0800491.

Allele frequency attached by ClinVar (database versions not stated): gnomAD 0.00003 and 0.00004; TOPMed 0.00009.

Submission:

Labcorp Genetics (formerly Invitae), Labcorp
Classification: Uncertain significance for Early-infantile DEE. Last evaluated: 2024-10-01. Review status: criteria provided, single submitter. Criteria: Invitae Variant Classification Sherloc (09022015). Collection method: clinical testing. Allele origin: germline.
Comment: This sequence change falls in intron 20 of the SCN1A gene. It does not directly change the encoded amino acid sequence of the SCN1A protein. However, this sequence change falls within a region encompassing a cryptic exon in the SCN1A gene, in which variants have been shown to alter splicing (PMID: 30526861, 34107977). This variant is not present in population databases (gnomAD no frequency). This variant has been observed in individual(s) with clinical features of SCN1A-related conditions (internal data). ClinVar contains an entry for this variant (Variation ID: 1636844). Algorithms developed to predict the effect of sequence changes on RNA splicing suggest that this variant is not likely to affect RNA splicing. In summary, the available evidence is currently insufficient to determine the role of this variant in disease. Therefore, it has been classified as a Variant of Uncertain Significance.

Literature cited by the submitters: PubMed 30526861; PubMed 34107977.

NM_001165963.4(SCN1A):c.4002+2374del

Genes: SCN1A (sodium voltage-gated channel alpha subunit 1; minus strand), LOC102724058 (uncharacterized LOC102724058; plus strand). Cytogenetic location: 2q24.3.
Variant type: Deletion.
Coding change: c.4002+2374del on transcript NM_001165963.4 (MANE Select); 2374 bases into the intron after coding-DNA position 4002, one base deleted (G; older notation c.4002+2374delG).
Molecular consequence: intron variant.
Genome position (GRCh38, 1-based): chr2:166,007,345, C deleted on the plus strand (G on the coding strand, the reverse complement: SCN1A is on the minus strand). VCF-style (leftmost placement, unchanged base first): chr2-166007344-AC-A. GRCh37 (hg19) VCF-style: chr2-166863854-AC-A.
Other names: c.3969+2374del (NM_001353949.2, NM_001353950.2, NM_001353951.2 and 2 more transcripts); c.3918+2374del (NM_001353958.2, NM_001353957.2, NM_001165964.3); c.4002+2374del (NM_001202435.3, NM_001353948.2); c.3966+2374del (NM_001353955.2, NM_001353954.2); c.3915+2374del (NM_001353960.2); c.1560+2374del (NM_001353961.2).
Identifiers: ClinVar variation 1636844 (VCV001636844.9), dbSNP rs1260713650, ClinGen allele CA760220768.